The following is an entry in ClinVar:

ClinVar aggregate classification (germline): Uncertain significance (1 of 4 stars; one submission).

Conditions:
EHHADH-related disorder. Also called: EHHADH-related condition.

gnomAD v4.1: 1 of 1,614,162 alleles (0.000062%); no homozygotes.

Submission:

PreventionGenetics, part of Exact Sciences
Classification: Uncertain significance for EHHADH-related condition. Last evaluated: 2026-05-06. Review status: criteria provided, single submitter. Criteria: ACMG Guidelines, 2015. Collection method: clinical testing. Allele origin: germline.
Comment: The EHHADH c.1600A>T variant is predicted to result in premature protein termination (p.Arg534*). This variant is located in the last exon of EHHADH and is not predicted to undergo nonsense mediated decay. To our knowledge, this variant has not been reported in the literature or in a large population database (gnomAD), indicating this variant is rare. Currently the clinical significance of premature protein truncating variants in EHHADH is uncertain. At this time, the clinical significance of this variant is uncertain due to the absence of conclusive functional and genetic evidence.

NM_001966.4(EHHADH):c.1600A>T (p.Arg534Ter)

Gene: EHHADH (enoyl-CoA hydratase and 3-hydroxyacyl CoA dehydrogenase; minus strand). Cytogenetic location: 3q27.2.
Variant type: single nucleotide variant.
Coding change: c.1600A>T on transcript NM_001966.4 (MANE Select); coding-DNA position 1600, A replaced by T.
Protein change: p.Arg534Ter; replaces arginine 534 with a stop codon.
Molecular consequence: nonsense.
Genome position (GRCh38, 1-based): chr3:185,192,798, T>A on the plus strand (A>T on the coding strand, the complement: EHHADH is on the minus strand). VCF-style: chr3-185192798-T-A. GRCh37 (hg19) VCF-style: chr3-184910586-T-A.
Other names: c.1312A>T, p.Arg438Ter (NM_001166415.2); short protein forms R438*, R534*.
Identifiers: ClinVar variation 4989424 (VCV004989424.1).